The following is an entry in ClinVar:

ClinVar aggregate classification (germline): Likely benign (0 of 4 stars; one submission).

Conditions:
PADI3-related disorder. Also called: PADI3-related condition.

Submission:

PreventionGenetics, part of Exact Sciences
Classification: Likely benign for PADI3-related condition. Last evaluated: 2019-09-17. Review status: no assertion criteria provided. Collection method: clinical testing. Allele origin: germline.
Comment: This variant is classified as likely benign based on ACMG/AMP sequence variant interpretation guidelines (Richards et al. 2015 PMID: 25741868, with internal and published modifications).

NM_016233.2(PADI3):c.-4C>G

Gene: PADI3 (peptidyl arginine deiminase 3; plus strand). Cytogenetic location: 1p36.13.
Variant type: single nucleotide variant.
Coding change: c.-4C>G on transcript NM_016233.2 (MANE Select); 4 bases upstream of the start codon, C replaced by G.
Molecular consequence: 5 prime UTR variant.
Genome position (GRCh38, 1-based): chr1:17,249,134, C>G. VCF-style: chr1-17249134-C-G. GRCh37 (hg19) VCF-style: chr1-17575629-C-G.
Identifiers: ClinVar variation 3040158 (VCV003040158.2), dbSNP rs2072933535, ClinGen allele CA1156139126.